The following is an entry in ClinVar:

NM_000179.3(MSH6):c.1907C>T (p.Thr636Ile)

Gene: MSH6 (mutS homolog 6; plus strand). Cytogenetic location: 2p16.3.
Variant type: single nucleotide variant.
Coding change: c.1907C>T on transcript NM_000179.3 (MANE Select); coding-DNA position 1907, C replaced by T.
Protein change: p.Thr636Ile; replaces threonine 636 with isoleucine.
Molecular consequence: missense variant.
Genome position (GRCh38, 1-based): chr2:47,799,890, C>T. VCF-style: chr2-47799890-C-T. GRCh37 (hg19) VCF-style: chr2-48027029-C-T.
Other names: c.1517C>T, p.Thr506Ile (NM_001281492.2); c.1001C>T, p.Thr334Ile (NM_001281493.2, NM_001281494.2); short protein forms T636I, T334I, T506I.
Identifiers: ClinVar variation 483810 (VCV000483810.16), dbSNP rs1553413281, ClinGen allele CA346750161.

ClinVar aggregate classification (germline): Uncertain significance. Review status: criteria provided, multiple submitters, no conflicts (2 of 4 stars). 4 submissions from 4 submitters: Uncertain significance (4). Last evaluated 2025-10-01.

Conditions:
Hereditary nonpolyposis colorectal neoplasms. Identifiers: MedGen C0009405, MeSH D003123.
Lynch syndrome. Identifiers: Orphanet 144, MedGen C4552100, MONDO:0005835. Disease mechanism: loss of function.
Hereditary cancer-predisposing syndrome. Also called: Neoplastic Syndromes, Hereditary; Tumor predisposition; Hereditary Cancer Syndrome; Hereditary neoplastic syndrome. Identifiers: Orphanet 140162, MedGen C0027672, MeSH D009386, MONDO:0015356.

Submissions (4):

Labcorp Genetics (formerly Invitae), Labcorp
Classification: Uncertain significance for Hereditary nonpolyposis colorectal neoplasms. Last evaluated: 2025-10-01. Review status: criteria provided, single submitter. Criteria: Invitae Variant Classification Sherloc (09022015). Collection method: clinical testing. Allele origin: germline.
Comment: This sequence change replaces threonine, which is neutral and polar, with isoleucine, which is neutral and non-polar, at codon 636 of the MSH6 protein (p.Thr636Ile). This variant is not present in population databases (gnomAD no frequency). This variant has not been reported in the literature in individuals affected with MSH6-related conditions. ClinVar contains an entry for this variant (Variation ID: 483810). Invitae Evidence Modeling of protein sequence and biophysical properties (such as structural, functional, and spatial information, amino acid conservation, physicochemical variation, residue mobility, and thermodynamic stability) indicates that this missense variant is not expected to disrupt MSH6 protein function with a negative predictive value of 95%. In summary, the available evidence is currently insufficient to determine the role of this variant in disease. Therefore, it has been classified as a Variant of Uncertain Significance.

Quest Diagnostics Nichols Institute San Juan Capistrano
Classification: Uncertain significance. Last evaluated: 2024-06-11. Review status: criteria provided, single submitter. Criteria: Quest Diagnostics criteria. Collection method: clinical testing. Allele origin: unknown.
Comment: The MSH6 c.1907C>T (p.Thr636Ile) variant has not been reported in individuals with MSH6-related conditions in the published literature. It also has not been reported in large, multi-ethnic general populations (Genome Aggregation Database). Analysis of this variant using bioinformatics tools for the prediction of the effect of amino acid changes on protein structure and function yielded predictions that this variant is benign. Based on the available information, we are unable to determine the clinical significance of this variant.

All of Us Research Program, National Institutes of Health
Classification: Uncertain significance for Lynch syndrome. Last evaluated: 2024-01-03. Review status: criteria provided, single submitter. Criteria: ACMG Guidelines, 2015. Collection method: clinical testing. Allele origin: germline. Inheritance: Autosomal dominant inheritance. Observed: 1 variant allele, 1 heterozygote.
Comment: This missense variant replaces threonine with isoleucine at codon 636 of the MSH6 protein. Computational prediction suggests that this variant may not impact protein structure and function (internally defined REVEL score threshold <= 0.5, PMID: 27666373). To our knowledge, functional studies have not been reported for this variant. This variant has not been reported in individuals affected with MSH6-related disorders in the literature. This variant has not been identified in the general population by the Genome Aggregation Database (gnomAD). The available evidence is insufficient to determine the role of this variant in disease conclusively. Therefore, this variant is classified as a Variant of Uncertain Significance.

This study involves interpretation of variants in research participants for the purpose of population health screening. Participant phenotype was not available at the time of variant classification. Additional details can be found in publication PMID: 35346344, PMCID: PMC8962531

Ambry Genetics
Classification: Uncertain significance for Hereditary cancer-predisposing syndrome. Last evaluated: 2023-02-15. Review status: criteria provided, single submitter. Criteria: Ambry Variant Classification Scheme 2023. Collection method: clinical testing. Allele origin: germline.
Comment: The p.T636I variant (also known as c.1907C>T), located in coding exon 4 of the MSH6 gene, results from a C to T substitution at nucleotide position 1907. The threonine at codon 636 is replaced by isoleucine, an amino acid with similar properties. This amino acid position is not well conserved in available vertebrate species. In addition, this alteration is predicted to be tolerated by in silico analysis. Since supporting evidence is limited at this time, the clinical significance of this alteration remains unclear.